The following is an entry in ClinVar:

NM_000206.3(IL2RG):c.96G>T (p.Gly32=)

Genes: IL2RG (interleukin 2 receptor subunit gamma; minus strand), LOC126863274 (MED14-independent group 3 enhancer GRCh37_chrX:70330888-70332087; plus strand). Cytogenetic location: Xq13.1.
Variant type: single nucleotide variant.
Coding change: c.96G>T on transcript NM_000206.3 (MANE Select); coding-DNA position 96, G replaced by T.
Protein change: p.Gly32=; no amino-acid change (glycine 32 retained).
Molecular consequence: synonymous variant.
Genome position (GRCh38, 1-based): chrX:71,111,444, C>A on the plus strand (G>T on the coding strand, the complement: IL2RG is on the minus strand). VCF-style: chrX-71111444-C-A. GRCh37 (hg19) VCF-style: chrX-70331294-C-A.
Identifiers: ClinVar variation 2135578 (VCV002135578.4), dbSNP rs1367782189, ClinGen allele CA413497607.

ClinVar aggregate classification (germline): Uncertain significance (1 of 4 stars; one submission).

Conditions:
X-linked severe combined immunodeficiency (SCIDX1). Also called: X-Linked Combined Immunodeficiency Diseases; IMMUNODEFICIENCY 4; SCID, X-LINKED; SEVERE COMBINED IMMUNODEFICIENCY, X-LINKED, T CELL-NEGATIVE, B CELL-POSITIVE, NK CELL-NEGATIVE; T-B+ severe combined immunodeficiency due to gamma chain deficiency. Identifiers: Orphanet 276, MedGen C6022468, MONDO:0010315, OMIM 300400. Disease mechanism: loss of function.

Allele frequency attached by ClinVar (database versions not stated): gnomAD 0.00001.
gnomAD v4.1: 1 of 1,209,198 alleles (0.000083%); highest among the groups gnomAD compares: Non-Finnish European, 0.00011%; no homozygotes.

Submission:

Labcorp Genetics (formerly Invitae), Labcorp
Classification: Uncertain significance for X-linked severe combined immunodeficiency. Last evaluated: 2023-02-23. Review status: criteria provided, single submitter. Criteria: Invitae Variant Classification Sherloc (09022015). Collection method: clinical testing. Allele origin: germline.
Comment: This variant is present in population databases (no rsID available, gnomAD 0.01%). In summary, the available evidence is currently insufficient to determine the role of this variant in disease. Therefore, it has been classified as a Variant of Uncertain Significance. Algorithms developed to predict the effect of sequence changes on RNA splicing suggest that this variant may disrupt the consensus splice site. This variant has not been reported in the literature in individuals affected with IL2RG-related conditions. This sequence change affects codon 32 of the IL2RG mRNA. It is a 'silent' change, meaning that it does not change the encoded amino acid sequence of the IL2RG protein.